The following is an entry in ClinVar:

NM_001165963.4(SCN1A):c.1584_1588del (p.Ser528fs)

Gene: SCN1A (sodium voltage-gated channel alpha subunit 1; minus strand). Cytogenetic location: 2q24.3.
Variant type: Deletion.
Coding change: c.1584_1588del on transcript NM_001165963.4 (MANE Select); coding-DNA positions 1584 to 1588, 5 bases deleted (CATCA; older notation c.1584_1588delCATCA).
Protein change: p.Ser528fs; shifts the reading frame from serine 528.
Molecular consequence: frameshift variant. On other transcripts: 5 prime UTR variant (1), non-coding transcript variant (1).
Genome position (GRCh38, 1-based): chr2:166,045,117-166,045,121, TGATG deleted on the plus strand (CATCA on the coding strand, the reverse complement: SCN1A is on the minus strand). VCF-style (leftmost placement, unchanged base first): chr2-166045116-CTGATG-C. GRCh37 (hg19) VCF-style: chr2-166901626-CTGATG-C.
Other names: c.1584_1588del, p.Ser528fs (NM_001165964.3, NM_001202435.3, NM_001353948.2 and 7 more transcripts); c.1581_1585del, p.Ser527fs (NM_001353954.2, NM_001353955.2, NM_001353960.2); c.-842_-838del (NM_001353961.2); short protein forms S528fs, S527fs.
Identifiers: ClinVar variation 530468 (VCV000530468.7), dbSNP rs1553545522, ClinGen allele CA658795917.

ClinVar aggregate classification (germline): Pathogenic (1 of 4 stars; one submission).

Conditions:
Early-infantile DEE. Also called: Early infantile epileptic encephalopathy; Early infantile epileptic encephalopathy with suppression bursts; Ohtahara syndrome. Identifiers: Orphanet 1934, MedGen C0393706, MONDO:0800491.

Submission:

Labcorp Genetics (formerly Invitae), Labcorp
Classification: Pathogenic for Early-infantile DEE. Last evaluated: 2017-11-16. Review status: criteria provided, single submitter. Criteria: Invitae Variant Classification Sherloc (09022015). Collection method: clinical testing. Allele origin: germline.
Comment: This sequence change creates a premature translational stop signal (p.Ser528Argfs*10) in the SCN1A gene. It is expected to result in an absent or disrupted protein product. This variant is not present in population databases (ExAC no frequency). For these reasons, this variant has been classified as Pathogenic. Loss-of-function variants in SCN1A are known to be pathogenic (PMID: 17347258, 18930999). This variant has not been reported in the literature in individuals with SCN1A-related disease.

Literature cited by the submitters: PubMed 17347258; PubMed 18930999.